The following is an entry in ClinVar:

ClinVar aggregate classification (germline): Benign. Review status: criteria provided, multiple submitters, no conflicts (2 of 4 stars). 11 submissions from 9 submitters: Benign (9). 2 of the submissions do not count toward it. Last evaluated 2026-02-04.

Conditions:
Hypercalcemia, infantile, 2 (HCINF2). Identifiers: Orphanet 300547, MedGen C4310473, MONDO:0014851, OMIM 616963.
Fanconi renotubular syndrome 2 (FRTS2). Identifiers: MedGen C3150652, MONDO:0013247, OMIM 613388.
Hypophosphatemic nephrolithiasis/osteoporosis 1. Identifiers: Orphanet 244305, MedGen C2676786, MONDO:0012850, OMIM 612286.

Allele frequency attached by ClinVar (database versions not stated): 1000 Genomes Project 30x 0.21221; 1000 Genomes Project 0.21286; TOPMed 0.22909; gnomAD 0.24542 and 0.25133; ExAC 0.29241; ESP Exome Variant Server 0.24220; gnomAD exomes 0.29459 and 0.31196.

Submissions (11):

Labcorp Genetics (formerly Invitae), Labcorp
Classification: Benign. Last evaluated: 2026-02-04. Review status: criteria provided, single submitter. Criteria: Invitae Variant Classification Sherloc (09022015). Collection method: clinical testing. Allele origin: germline.

Blueprint Genetics
Classification: Benign. Last evaluated: 2024-11-26. Review status: criteria provided, single submitter. Criteria: ACMG Guidelines, 2015. Collection method: clinical testing. Allele origin: germline.

Mayo Clinic Laboratories, Mayo Clinic
Classification: Benign. Last evaluated: 2022-03-09. Review status: criteria provided, single submitter. Criteria: ACMG Guidelines, 2015. Collection method: clinical testing. Allele origin: germline. Observed: 77 variant alleles.

Genome-Nilou Lab
Classification: Benign for Fanconi renotubular syndrome 2. Last evaluated: 2021-07-15. Review status: criteria provided, single submitter. Criteria: ACMG Guidelines, 2015. Collection method: clinical testing. Allele origin: germline. Affected: no.

Genome-Nilou Lab
Classification: Benign for Hypercalcemia, infantile, 2. Last evaluated: 2021-07-15. Review status: criteria provided, single submitter. Criteria: ACMG Guidelines, 2015. Collection method: clinical testing. Allele origin: germline. Affected: no.

Genome-Nilou Lab
Classification: Benign for Hypophosphatemic nephrolithiasis/osteoporosis 1. Last evaluated: 2021-07-15. Review status: criteria provided, single submitter. Criteria: ACMG Guidelines, 2015. Collection method: clinical testing. Allele origin: germline. Affected: no.

GeneDx
Classification: Benign. Last evaluated: 2018-10-16. Review status: criteria provided, single submitter. Criteria: GeneDx Variant Classification Process June 2021. Collection method: clinical testing. Allele origin: germline. Affected: yes.

Illumina Laboratory Services, Illumina
Classification: Benign for Hypophosphatemic nephrolithiasis/osteoporosis 1. Last evaluated: 2018-01-12. Review status: criteria provided, single submitter. Criteria: ICSL Variant Classification Criteria 13 December 2019. Collection method: clinical testing. Allele origin: germline.
Comment: This variant was observed in the ICSL laboratory as part of a predisposition screen in an ostensibly healthy population. It had not been previously curated by ICSL or reported in the Human Gene Mutation Database (HGMD: prior to June 1st, 2018), and was therefore a candidate for classification through an automated scoring system. Utilizing variant allele frequency, disease prevalence and penetrance estimates, and inheritance mode, an automated score was calculated to assess if this variant is too frequent to cause the disease. Based on the score and internal cut-off values, a variant classified as benign is not then subjected to further curation. The score for this variant resulted in a classification of benign for this disease.

Laboratory for Molecular Medicine, Mass General Brigham Personalized Medicine
Classification: Benign. Last evaluated: 2016-03-21. Review status: criteria provided, single submitter. Criteria: LMM Criteria. Collection method: clinical testing. Allele origin: germline. Observed: 1 variant allele.
Comment: p.His258His in exon 7 of SLC34A1: This variant is not expected to have clinical significance because it does not alter an amino acid residue, is not located within the splice consensus sequence, and has been identified in 41.15% (2715/6598) of Finnish chromosomes by the Exome Aggregation Consortium (ExAC; dbSNP rs5030873).

Diagnostic Laboratory, Department of Genetics, University Medical Center Groningen
Classification: Benign. Review status: no assertion criteria provided. Collection method: clinical testing. Allele origin: germline. Affected: yes. Study: VKGL Data-share Consensus. Not counted in ClinVar's aggregate classification.

Joint Genome Diagnostic Labs from Nijmegen and Maastricht, Radboudumc and MUMC+
Classification: Benign. Review status: no assertion criteria provided. Collection method: clinical testing. Allele origin: germline. Affected: yes. Study: VKGL Data-share Consensus. Not counted in ClinVar's aggregate classification.

NM_003052.5(SLC34A1):c.774T>C (p.His258=)

Gene: SLC34A1 (solute carrier family 34 member 1; plus strand). Cytogenetic location: 5q35.3.
Variant type: single nucleotide variant.
Coding change: c.774T>C on transcript NM_003052.5 (MANE Select); coding-DNA position 774, T replaced by C.
Protein change: p.His258=; no amino-acid change (histidine 258 retained).
Molecular consequence: synonymous variant.
Genome position (GRCh38, 1-based): chr5:177,388,123, T>C. VCF-style: chr5-177388123-T-C. GRCh37 (hg19) VCF-style: chr5-176815124-T-C.
Other names: p.His258=; c.774T>C, p.His258= (NM_001167579.2).
Identifiers: ClinVar variation 352965 (VCV000352965.28), dbSNP rs5030873, ClinGen allele CA3580516.
Genomic context (GRCh38, chr5:177,388,123, plus strand): 5'-GGCTGCCACTGGCTACCTGCACCACATCACTCGACTTGTGGTGGCCTCCTTCAACATCCA[T>C]GGTGGCCGTGATGCTCCTGACCTGCTCAAGATCATCACAGAGCCCTTCACGAAGCTCATC-3'
Protein context (NP_003043.3, residues 248-268): TRLVVASFNI[His258=]GGRDAPDLLK